The following is an entry in ClinVar:

NM_003560.4(PLA2G6):c.514G>C (p.Val172Leu)

Gene: PLA2G6 (phospholipase A2 group VI; minus strand). Cytogenetic location: 22q13.1.
Variant type: single nucleotide variant.
Coding change: c.514G>C on transcript NM_003560.4 (MANE Select); coding-DNA position 514, G replaced by C.
Protein change: p.Val172Leu; replaces valine 172 with leucine.
Molecular consequence: missense variant. On other transcripts: 5 prime UTR variant (2).
Genome position (GRCh38, 1-based): chr22:38,143,200, C>G on the plus strand (G>C on the coding strand, the complement: PLA2G6 is on the minus strand). VCF-style: chr22-38143200-C-G. GRCh37 (hg19) VCF-style: chr22-38539207-C-G.
Other names: c.514G>C, p.Val172Leu (NM_001199562.3, NM_001349864.2, NM_001349865.2 and 2 more transcripts); c.-21G>C (NM_001349867.2, NM_001349869.2); c.24G>C, p.Trp8Cys (NM_001349868.2); short protein forms V172L, W8C.
Identifiers: ClinVar variation 4528140 (VCV004528140.1).

ClinVar aggregate classification (germline): Uncertain significance (1 of 4 stars; one submission).

gnomAD v4.1: 2 of 1,614,160 alleles (0.00012%); highest among the groups gnomAD compares: Non-Finnish European, 0.000085%; no homozygotes.

Submission:

GeneDx
Classification: Uncertain significance. Last evaluated: 2025-05-06. Review status: criteria provided, single submitter. Criteria: GeneDx Variant Classification Process June 2021. Collection method: clinical testing. Allele origin: germline. Affected: yes.
Comment: Not observed at significant frequency in large population cohorts (gnomAD); In silico analysis suggests that this missense variant does not alter protein structure/function; Has not been previously published as pathogenic or benign to our knowledge